The following is an entry in ClinVar:

NM_007294.4(BRCA1):c.5186T>A (p.Leu1729Gln)

Gene: BRCA1 (BRCA1 DNA repair associated; minus strand). Cytogenetic location: 17q21.31.
Variant type: single nucleotide variant.
Coding change: c.5186T>A on transcript NM_007294.4 (MANE Select); coding-DNA position 5186, T replaced by A.
Protein change: p.Leu1729Gln; replaces leucine 1729 with glutamine.
Molecular consequence: missense variant. On other transcripts: non-coding transcript variant (1).
Genome position (GRCh38, 1-based): chr17:43,063,340, A>T on the plus strand (T>A on the coding strand, the complement: BRCA1 is on the minus strand). VCF-style: chr17-43063340-A-T. GRCh37 (hg19) VCF-style: chr17-41215357-A-T.
Other names: p.L1729Q:CTG>CAG; c.1874T>A, p.Leu625Gln (NM_001407990.1, NM_001407991.1, NM_001407992.1 and 13 more transcripts); c.1871T>A, p.Leu624Gln (NM_001408404.1, NM_001408473.1, NM_001408392.1 and 8 more transcripts); c.1868T>A, p.Leu623Gln (NM_001408406.1, NM_001408407.1, NM_001408408.1); c.1865T>A, p.Leu622Gln (NM_001408409.1); c.1802T>A, p.Leu601Gln (NM_001408410.1); c.1799T>A, p.Leu600Gln (NM_001408411.1); c.1796T>A, p.Leu599Gln (NM_001408412.1, NM_001408413.1, NM_001408414.1 and 2 more transcripts); and 73 more; short protein forms L1729Q, L1682Q, L625Q, L1750Q, L1560Q, L1600Q, L1616Q, L1640Q.
Identifiers: ClinVar variation 182166 (VCV000182166.26), dbSNP rs730881496, ClinGen allele CA003330.
Genomic context (GRCh38, chr17:43,063,340, plus strand): 5'-AACTATATGACTGAATGAATATCTCTGGTTAGTTTGTAACATCAAGTACTTACCTCATTC[A>T]GCATTTTTCTTTCTTTAATAGACTGGGTCACCCCTAAAGAGATCATAGAAAAGACAGGTT-3'
Protein context (NP_009225.1, residues 1719-1739): VTQSIKERKM[Leu1729Gln]NEHDFEVRGD

ClinVar aggregate classification (germline): Conflicting classifications of pathogenicity. Review status: criteria provided, conflicting classifications (1 of 4 stars). 8 submissions from 8 submitters: Uncertain significance (6); Likely benign (1). 1 of the submissions does not count toward it. Last evaluated 2026-01-05.

Conditions:
Hereditary breast ovarian cancer syndrome. Also called: Hereditary breast and ovarian cancer syndrome; Hereditary breast and ovarian cancer syndrome (HBOC); BRCA1- and BRCA2-Associated Hereditary Breast and Ovarian Cancer; Breast and ovarian cancer; Hereditary breast and ovarian cancer; Hereditary breast and/or ovarian cancer syndrome. Identifiers: Orphanet 145, MedGen C0677776, MeSH D061325, MONDO:0003582. Disease mechanism: loss of function.
Fanconi anemia, complementation group S (FANCS). Identifiers: MedGen C4554406, MONDO:0054748, OMIM 617883.
Hereditary cancer-predisposing syndrome. Also called: Hereditary Cancer Syndrome; Hereditary neoplastic syndrome; Tumor predisposition; Neoplastic Syndromes, Hereditary. Identifiers: Orphanet 140162, MedGen C0027672, MeSH D009386, MONDO:0015356.
Breast-ovarian cancer, familial, susceptibility to, 1 (BROVCA1). Also called: OVARIAN CANCER, SUSCEPTIBILITY TO; BRCA1 Hereditary Breast and Ovarian Cancer. Identifiers: Orphanet 145, MedGen C2676676, MONDO:0011450, OMIM 604370. Disease mechanism: loss of function.

Allele frequency attached by ClinVar (database versions not stated): gnomAD 0.00001.
gnomAD v4.1: 3 of 1,610,158 alleles (0.00019%); highest among the groups gnomAD compares: Middle Eastern, 0.033%; 1 homozygote.

Submissions (9):

Ambry Genetics
Classification: Uncertain significance for Hereditary cancer-predisposing syndrome. Last evaluated: 2026-01-05. Review status: criteria provided, single submitter. Criteria: Ambry Variant Classification Scheme 2023. Collection method: clinical testing. Allele origin: germline.

Genomic Medicine Center of Excellence, King Faisal Specialist Hospital and Research Centre
Classification: Uncertain significance for Breast-ovarian cancer, familial, susceptibility to, 1. Last evaluated: 2024-12-18. Review status: criteria provided, single submitter. Criteria: ACMG Guidelines, 2015. Collection method: clinical testing. Allele origin: germline.

Labcorp Genetics (formerly Invitae), Labcorp
Classification: Uncertain significance for Hereditary breast ovarian cancer syndrome. Last evaluated: 2024-08-27. Review status: criteria provided, single submitter. Criteria: Invitae Variant Classification Sherloc (09022015). Collection method: clinical testing. Allele origin: germline.
Comment: This sequence change replaces leucine, which is neutral and non-polar, with glutamine, which is neutral and polar, at codon 1729 of the BRCA1 protein (p.Leu1729Gln). This variant is not present in population databases (gnomAD no frequency). This missense change has been observed in individual(s) with breast cancer, malignant melanoma, and/or ovarian cancer (PMID: 33067490, 34449592). This variant is also known as c.5249T>A (p.Leu1750Gln). ClinVar contains an entry for this variant (Variation ID: 182166). Invitae Evidence Modeling incorporating data from in vitro experimental studies (PMID: 30209399) indicates that this missense variant is not expected to disrupt BRCA1 function with a negative predictive value of 95%. Experimental studies have shown that this missense change does not substantially affect BRCA1 function (PMID: 30209399). In summary, the available evidence is currently insufficient to determine the role of this variant in disease. Therefore, it has been classified as a Variant of Uncertain Significance.

Lupski Lab, Baylor-Hopkins CMG, Baylor College of Medicine
Classification: Likely benign for Breast-ovarian cancer, familial, susceptibility to, 1. Last evaluated: 2024-04-12. Review status: criteria provided, single submitter. Criteria: Dawood et al. (medRxiv. 2024). Collection method: curation. Allele origin: germline.
Comment: Each variant was annotated with functional scores from MAVE data which was translated into functional evidence codes. All other evidence codes and combining criteria were adhered to as closely as possible based on the ClinGen VCEP (Variant Curation Expert Panel) gene-specific recommendations. See Supplemental Figure 34 of final paper (Supp Fig. 28 in preprint: doi:10.1101/2024.04.11.24305690) for a table to see which lines of evidence we did not have data for. The ClinGen VCEPs are highly regarded as the gold-standard for gene-specific variant curation and are developed after extensive evaluation of the evidence by clinical and scientific experts for the particular gene to classify genomic variants on a spectrum from pathogenic to benign using the 2015 ACMG/AMP Variant Interpretation Guidelines as a backbone (PMID: 25741868). Reclassification of these VUS variants from gnomAD or All of Us focused only on variants originally prescribed as VUS in ClinVar. To ensure reproducibility, transparency, and increased throughput, all the procedures for annotating variants and assigning evidence codes were codified using Python. All code has been made freely available and is linked in the Code Availability section and all reclassified variants with evidence codes used can be found in Tables S18-19 (preprint: doi:10.1101/2024.04.11.24305690). For the MAVE data, the clinical curation and clinical strength assignment as per the ClinGen recommendations in Brnich et al. (2020) (PMID: 31892348) for or against pathogenicity or benignity of each of these MAVE datasets utilized in this study were previously published in Fayer et al. (2021) (PMID: 34793697).In brief, for BRCA1 variants, if a variant was categorized as FUNC (functional), it was assigned BS3 evidence and no PS3 evidence, whereas if it was categorized as LOF (loss of function), the variant was assigned PS3 evidence and no BS3 evidence. Variants categorized as INT (intermediate) were left unannotated. For the BRCA1 combining criteria, greater than or equal to 1 criteria of strong benign evidence was enough to reclassify the VUS as Likely Benign. This variant GRCh38:17:43063340:A>T was assigned evidence codes ['BS3'] and an overall classification of Likely benign

Baylor Genetics
Classification: Uncertain significance for Breast-ovarian cancer, familial, susceptibility to, 1. Last evaluated: 2023-06-02. Review status: criteria provided, single submitter. Criteria: ACMG Guidelines, 2015. Collection method: clinical testing. Allele origin: unknown.

Department of Pathology and Laboratory Medicine, Sinai Health System
Classification: Uncertain significance for Fanconi anemia, complementation group S. Last evaluated: 2022-09-12. Review status: criteria provided, single submitter. Criteria: ACMG Guidelines, 2015. Collection method: clinical testing. Allele origin: germline. Affected: yes.

GeneDx
Classification: Uncertain significance. Last evaluated: 2014-05-16. Review status: criteria provided, single submitter. Criteria: GeneDx Variant Classification (06012015). Collection method: clinical testing. Allele origin: germline. Affected: yes.
Comment: This variant is denoted BRCA1 c.5186T>A at the cDNA level, p.Leu1729Gln (L1729Q) at the protein level, and results in the change of a Leucine to a Glutamine (CTG>CAG). This variant has not, to our knowledge, been published in the literature as pathogenic or benign. BRCA1 Leu1729Gln was not observed in approximately 6,500 individuals of European and African American ancestry in the NHLBI Exome Sequencing Project, indicating it is not a common benign variant in these populations. Since Leucine and Glutamine differ in polarity, charge, size or other properties, this is considered a non-conservative amino acid substitution. BRCA1 Leu1729Gln occurs at a position that is well conserved among mammals and is located in in the BRCT 1 domain (UniProt). In addition, in silico analyses predict that this variant is probably damaging to protein structure and function. Based on the currently available information, we consider BRCA1 Leu1729Gln to be a variant of uncertain significance.Of note, two deleterious BRCA1 variants on opposite chromosomes (in trans) are expected to be incompatible with life. Therefore, if this variant is in trans with the pathogenic BRCA1 variant, then this variant is likely a polymorphism. Parental or family testing could help determine whether the variant is in cis or trans with the BRCA1 variant.

Counsyl
Classification: Uncertain significance for Breast-ovarian cancer, familial, susceptibility to, 1. Last evaluated: 2016-06-21. Review status: no assertion criteria provided. Collection method: clinical testing. Allele origin: unknown. Not counted in ClinVar's aggregate classification.

Brotman Baty Institute, University of Washington
No classification provided (evidence only). Condition: Breast-ovarian cancer, familial 1. Review status: no classification provided. Collection method: in vitro. Allele origin: not applicable. Functional consequence: functionally_normal. Not counted in ClinVar's aggregate classification.
ClinVar note: "not provided" was previously submitted as the classification for the variant. However, the classification appeared to be based only on an observation of functional data so it was converted to no classification on 2025-07-30.

Literature cited by the submitters: PubMed 33067490 (cited by Labcorp Genetics (formerly Invitae), Labcorp); PubMed 34449592 (cited by Labcorp Genetics (formerly Invitae), Labcorp); PubMed 30209399 (cited by Labcorp Genetics (formerly Invitae), Labcorp and Department of Pathology and Laboratory Medicine, Sinai Health System); PubMed 39142283 (cited by Lupski Lab, Baylor-Hopkins CMG, Baylor College of Medicine); PubMed 34793697 (cited by Lupski Lab, Baylor-Hopkins CMG, Baylor College of Medicine); DOI 10.1101/2024.04.11.24305690 (cited by Lupski Lab, Baylor-Hopkins CMG, Baylor College of Medicine).